The following is an entry in ClinVar:

ClinVar aggregate classification (germline): Uncertain significance (1 of 4 stars; one submission).

Submission:

GeneDx
Classification: Uncertain significance. Last evaluated: 2026-03-16. Review status: criteria provided, single submitter. Criteria: GeneDx Variant Classification Process June 2021. Collection method: clinical testing. Allele origin: germline.
Comment: Not observed at significant frequency in large population cohorts (gnomAD); In silico analysis supports that this missense variant has a deleterious effect on protein structure/function; Has not been previously published as pathogenic or benign to our knowledge

NM_018008.4(FEZF2):c.1121G>C (p.Gly374Ala)

Gene: FEZF2 (FEZ family zinc finger 2; minus strand). Cytogenetic location: 3p14.2.
Variant type: single nucleotide variant.
Coding change: c.1121G>C on transcript NM_018008.4 (MANE Select); coding-DNA position 1121, G replaced by C.
Protein change: p.Gly374Ala; replaces glycine 374 with alanine.
Molecular consequence: missense variant.
Genome position (GRCh38, 1-based): chr3:62,370,342, C>G on the plus strand (G>C on the coding strand, the complement: FEZF2 is on the minus strand). VCF-style: chr3-62370342-C-G. GRCh37 (hg19) VCF-style: chr3-62356017-C-G.
Other names: short protein forms G374A.
Identifiers: ClinVar variation 5009057 (VCV005009057.1).